The following is an entry in ClinVar:

ClinVar aggregate classification (germline): Uncertain significance (1 of 4 stars; one submission).

Allele frequency attached by ClinVar (database versions not stated): gnomAD exomes below 0.00001.
gnomAD v4.1: 2 of 1,613,064 alleles (0.00012%); highest among the groups gnomAD compares: Non-Finnish European, 0.00017%; no homozygotes.

Submission:

Labcorp Genetics (formerly Invitae), Labcorp
Classification: Uncertain significance. Last evaluated: 2024-04-29. Review status: criteria provided, single submitter. Criteria: Invitae Variant Classification Sherloc (09022015). Collection method: clinical testing. Allele origin: germline.
Comment: This sequence change replaces cysteine, which is neutral and slightly polar, with phenylalanine, which is neutral and non-polar, at codon 324 of the TUBGCP6 protein (p.Cys324Phe). This variant is not present in population databases (gnomAD no frequency). This variant has not been reported in the literature in individuals affected with TUBGCP6-related conditions. ClinVar contains an entry for this variant (Variation ID: 1465254). An algorithm developed to predict the effect of missense changes on protein structure and function (PolyPhen-2) suggests that this variant is likely to be tolerated. In summary, the available evidence is currently insufficient to determine the role of this variant in disease. Therefore, it has been classified as a Variant of Uncertain Significance.

NM_020461.4(TUBGCP6):c.971G>T (p.Cys324Phe)

Gene: TUBGCP6 (tubulin gamma complex component 6; minus strand). Cytogenetic location: 22q13.33.
Variant type: single nucleotide variant.
Coding change: c.971G>T on transcript NM_020461.4 (MANE Select); coding-DNA position 971, G replaced by T.
Protein change: p.Cys324Phe; replaces cysteine 324 with phenylalanine.
Molecular consequence: missense variant.
Genome position (GRCh38, 1-based): chr22:50,233,461, C>A on the plus strand (G>T on the coding strand, the complement: TUBGCP6 is on the minus strand). VCF-style: chr22-50233461-C-A. GRCh37 (hg19) VCF-style: chr22-50671890-C-A.
Other names: short protein forms C324F.
Identifiers: ClinVar variation 1465254 (VCV001465254.6), dbSNP rs2147200920, ClinGen allele CA412110178.